The following is an entry in ClinVar:

NM_001035.3(RYR2):c.1428G>T (p.Gln476His)

Gene: RYR2 (ryanodine receptor 2; plus strand). Cytogenetic location: 1q43.
Variant type: single nucleotide variant.
Coding change: c.1428G>T on transcript NM_001035.3 (MANE Select); coding-DNA position 1428, G replaced by T.
Protein change: p.Gln476His; replaces glutamine 476 with histidine.
Molecular consequence: missense variant.
Genome position (GRCh38, 1-based): chr1:237,454,526, G>T. VCF-style: chr1-237454526-G-T. GRCh37 (hg19) VCF-style: chr1-237617826-G-T.
Other names: short protein forms Q476H.
Identifiers: ClinVar variation 953586 (VCV000953586.12), dbSNP rs1281984170, ClinGen allele CA345380581.

ClinVar aggregate classification (germline): Uncertain significance. Review status: criteria provided, multiple submitters, no conflicts (2 of 4 stars). 2 submissions from 2 submitters: Uncertain significance (2). Last evaluated 2023-05-30.

Conditions:
Catecholaminergic polymorphic ventricular tachycardia 1. Also called: VENTRICULAR TACHYCARDIA, STRESS-INDUCED POLYMORPHIC 1; RYR2-Related Catecholaminergic Polymorphic Ventricular Tachycardia; VENTRICULAR TACHYCARDIA, CATECHOLAMINERGIC POLYMORPHIC, 1, WITH OR WITHOUT ATRIAL DYSFUNCTION AND/OR DILATED CARDIOMYOPATHY. Identifiers: Orphanet 3286, MedGen C1631597, MONDO:0011484, OMIM 604772.
Catecholaminergic polymorphic ventricular tachycardia (CVPT). Also called: Catecholamine-induced polymorphic ventricular tachycardia. Identifiers: Orphanet 3286, MedGen C5574922, MONDO:0017990.

Allele frequency attached by ClinVar (database versions not stated): TOPMed 0.00001.

Submissions (2):

All of Us Research Program, National Institutes of Health
Classification: Uncertain significance for Catecholaminergic polymorphic ventricular tachycardia. Last evaluated: 2023-05-30. Review status: criteria provided, single submitter. Criteria: ACMG Guidelines, 2015. Collection method: clinical testing. Allele origin: germline. Inheritance: Autosomal dominant inheritance. Observed: 1 variant allele, 1 heterozygote.
Comment: This missense variant replaces glutamine with histidine at codon 476 of the RYR2 protein. Computational prediction suggests that this variant may have deleterious impact on protein structure and function (internally defined REVEL score threshold >= 0.7, PMID: 27666373). To our knowledge, functional studies have not been reported for this variant. This variant has not been reported in individuals affected with RYR2-related disorders in the literature. This variant has not been identified in the general population by the Genome Aggregation Database (gnomAD). The available evidence is insufficient to determine the role of this variant in disease conclusively. Therefore, this variant is classified as a Variant of Uncertain Significance.

This study involves interpretation of variants in research participants for the purpose of population health screening. Participant phenotype was not available at the time of variant classification. Additional details can be found in publication PMID: 35346344, PMCID: PMC8962531

Labcorp Genetics (formerly Invitae), Labcorp
Classification: Uncertain significance for Catecholaminergic polymorphic ventricular tachycardia 1. Last evaluated: 2019-10-17. Review status: criteria provided, single submitter. Criteria: Invitae Variant Classification Sherloc (09022015). Collection method: clinical testing. Allele origin: germline.
Comment: This variant has not been reported in the literature in individuals with RYR2-related conditions. In summary, the available evidence is currently insufficient to determine the role of this variant in disease. Therefore, it has been classified as a Variant of Uncertain Significance. Algorithms developed to predict the effect of missense changes on protein structure and function are either unavailable or do not agree on the potential impact of this missense change (SIFT: "Deleterious"; PolyPhen-2: "Possibly Damaging"; Align-GVGD: "Class C0"). This variant is not present in population databases (ExAC no frequency). This sequence change replaces glutamine with histidine at codon 476 of the RYR2 protein (p.Gln476His). The glutamine residue is highly conserved and there is a small physicochemical difference between glutamine and histidine.